The following is an entry in ClinVar:

ClinVar aggregate classification (germline): Likely benign (1 of 4 stars; one submission).

gnomAD v4.1: 2,814 of 1,606,730 alleles (0.18%); highest among the groups gnomAD compares: East Asian, 0.4%; 5 homozygotes.

Submission:

CeGaT Center for Human Genetics Tuebingen
Classification: Likely benign. Last evaluated: 2026-08-01. Review status: criteria provided, single submitter. Criteria: CeGaT Center For Human Genetics Tuebingen Variant Classification Criteria Version 2. Collection method: clinical testing. Allele origin: germline. Affected: yes. Observed: 1 variant allele.
Comment: CFAP206: BP4, BS2

NM_001031743.3(CFAP206):c.1649G>A (p.Arg550His)

Gene: CFAP206 (cilia and flagella associated protein 206; plus strand). Cytogenetic location: 6q15.
Variant type: single nucleotide variant.
Coding change: c.1649G>A on transcript NM_001031743.3 (MANE Select); coding-DNA position 1649, G replaced by A.
Protein change: p.Arg550His; replaces arginine 550 with histidine.
Molecular consequence: missense variant.
Genome position (GRCh38, 1-based): chr6:87,464,030, G>A. VCF-style: chr6-87464030-G-A. GRCh37 (hg19) VCF-style: chr6-88173748-G-A.
Other names: short protein forms R550H.
Identifiers: ClinVar variation 5038516 (VCV005038516.1).